The following is an entry in ClinVar:

NM_016292.3(TRAP1):c.1471C>T (p.Arg491Trp)

Genes: DNASE1 (deoxyribonuclease 1; plus strand), TRAP1 (TNF receptor associated protein 1; minus strand). Cytogenetic location: 16p13.3.
Variant type: single nucleotide variant.
Coding change: c.1471C>T on transcript NM_016292.3 (MANE Select); coding-DNA position 1471, C replaced by T.
Protein change: p.Arg491Trp; replaces arginine 491 with tryptophan.
Molecular consequence: missense variant. On other transcripts: 3 prime UTR variant (1).
Genome position (GRCh38, 1-based): chr16:3,664,372, G>A on the plus strand (C>T on the coding strand, the complement: TRAP1 is on the minus strand). VCF-style: chr16-3664372-G-A. GRCh37 (hg19) VCF-style: chr16-3714373-G-A.
Other names: c.1312C>T, p.Arg438Trp (NM_001272049.2); c.*1748G>A (NM_001387140.1); short protein forms R438W, R491W.
Identifiers: ClinVar variation 2079374 (VCV002079374.4), dbSNP rs370076676, ClinGen allele CA7868070.

ClinVar aggregate classification (germline): Uncertain significance. Review status: criteria provided, multiple submitters, no conflicts (2 of 4 stars). 2 submissions from 2 submitters: Uncertain significance (2). Last evaluated 2024-06-17.

Allele frequency attached by ClinVar (database versions not stated): ExAC 0.00001; gnomAD 0.00001; gnomAD exomes 0.00001; TOPMed 0.00003; ESP Exome Variant Server 0.00008.
gnomAD v4.1: 16 of 1,612,480 alleles (0.00099%); highest among the groups gnomAD compares: Middle Eastern, 0.016%; no homozygotes.

Submissions (2):

Ambry Genetics
Classification: Uncertain significance. Last evaluated: 2024-06-17. Review status: criteria provided, single submitter. Criteria: Ambry Variant Classification Scheme 2023. Collection method: clinical testing. Allele origin: germline.

Labcorp Genetics (formerly Invitae), Labcorp
Classification: Uncertain significance. Last evaluated: 2022-10-25. Review status: criteria provided, single submitter. Criteria: Invitae Variant Classification Sherloc (09022015). Collection method: clinical testing. Allele origin: germline.
Comment: This sequence change replaces arginine, which is basic and polar, with tryptophan, which is neutral and slightly polar, at codon 491 of the TRAP1 protein (p.Arg491Trp). The frequency data for this variant in the population databases is considered unreliable, as metrics indicate poor data quality at this position in the gnomAD database. This variant has not been reported in the literature in individuals affected with TRAP1-related conditions. Advanced modeling of protein sequence and biophysical properties (such as structural, functional, and spatial information, amino acid conservation, physicochemical variation, residue mobility, and thermodynamic stability) performed at Invitae indicates that this missense variant is not expected to disrupt TRAP1 protein function. In summary, the available evidence is currently insufficient to determine the role of this variant in disease. Therefore, it has been classified as a Variant of Uncertain Significance.